The following is an entry in ClinVar:

ClinVar aggregate classification (germline): Uncertain significance (1 of 4 stars; one submission).

Conditions:
SDCCAG8-related disorder. Also called: SDCCAG8-Related Disorders; SDCCAG8-related condition.

Submission:

PreventionGenetics, part of Exact Sciences
Classification: Uncertain significance for SDCCAG8-related condition. Last evaluated: 2025-08-28. Review status: criteria provided, single submitter. Criteria: ACMG Guidelines, 2015. Collection method: clinical testing. Allele origin: germline.
Comment: The SDCCAG8 c.757T>C variant is predicted to result in the amino acid substitution p.Ser253Pro. To our knowledge, this variant has not been reported in the literature. This variant is reported in 0.060% of alleles in individuals of Ashkenazi Jewish descent in gnomAD. At this time, the clinical significance of this variant is uncertain due to the absence of conclusive functional and genetic evidence.

NM_006642.5(SDCCAG8):c.675+261T>C

Gene: SDCCAG8 (SHH signaling and ciliogenesis regulator SDCCAG8; plus strand). Cytogenetic location: 1q43.
Variant type: single nucleotide variant.
Coding change: c.675+261T>C on transcript NM_006642.5 (MANE Select); 261 bases into the intron after coding-DNA position 675, T replaced by C.
Molecular consequence: intron variant. On other transcripts: missense variant (1), 5 prime UTR variant (1).
Genome position (GRCh38, 1-based): chr1:243,293,480, T>C. VCF-style: chr1-243293480-T-C. GRCh37 (hg19) VCF-style: chr1-243456782-T-C.
Other names: c.757T>C, p.Ser253Pro (NM_001350248.2); c.-617T>C (NM_001350251.2); c.381+261T>C (NM_001350249.2); c.-438+261T>C (NM_001350246.2); c.-326+261T>C (NM_001350247.2); short protein forms S253P.
Identifiers: ClinVar variation 5000910 (VCV005000910.1).